The following is an entry in ClinVar:

NM_173630.4(RTTN):c.1305+11A>G

Gene: RTTN (rotatin; minus strand). Cytogenetic location: 18q22.2.
Variant type: single nucleotide variant.
Coding change: c.1305+11A>G on transcript NM_173630.4 (MANE Select); 11 bases into the intron after coding-DNA position 1305, A replaced by G.
Molecular consequence: intron variant.
Genome position (GRCh38, 1-based): chr18:70,188,097, T>C on the plus strand (A>G on the coding strand, the complement: RTTN is on the minus strand). VCF-style: chr18-70188097-T-C. GRCh37 (hg19) VCF-style: chr18-67855333-T-C.
Other names: c.-1249+11A>G (NM_001318520.2).
Identifiers: ClinVar variation 512624 (VCV000512624.6), dbSNP rs547572919, ClinGen allele CA301954985.

ClinVar aggregate classification (germline): Likely benign. Review status: criteria provided, multiple submitters, no conflicts (2 of 4 stars). 2 submissions from 2 submitters: Likely benign (2). Last evaluated 2025-03-07.

Allele frequency attached by ClinVar (database versions not stated): gnomAD exomes 0.00001; gnomAD 0.00003; TOPMed 0.00004.
gnomAD v4.1: 25 of 1,481,474 alleles (0.0017%); highest among the groups gnomAD compares: African/African-American, 0.014%; no homozygotes.

Submissions (2):

Labcorp Genetics (formerly Invitae), Labcorp
Classification: Likely benign. Last evaluated: 2025-03-07. Review status: criteria provided, single submitter. Criteria: Invitae Variant Classification Sherloc (09022015). Collection method: clinical testing. Allele origin: germline.

GeneDx
Classification: Likely benign. Last evaluated: 2017-10-05. Review status: criteria provided, single submitter. Criteria: GeneDx Variant Classification (06012015). Collection method: clinical testing. Allele origin: germline. Affected: yes.
Comment: This variant is considered likely benign or benign based on one or more of the following criteria: it is a conservative change, it occurs at a poorly conserved position in the protein, it is predicted to be benign by multiple in silico algorithms, and/or has population frequency not consistent with disease.